The following is an entry in ClinVar:

ClinVar aggregate classification (germline): Uncertain significance (1 of 4 stars; one submission).

Submission:

Labcorp Genetics (formerly Invitae), Labcorp
Classification: Uncertain significance. Last evaluated: 2022-09-23. Review status: criteria provided, single submitter. Criteria: Invitae Variant Classification Sherloc (09022015). Collection method: clinical testing. Allele origin: germline.
Comment: This variant has not been reported in the literature in individuals affected with NEFH-related conditions. Experimental studies and prediction algorithms are not available or were not evaluated, and the functional significance of this variant is currently unknown. In summary, the available evidence is currently insufficient to determine the role of this variant in disease. Therefore, it has been classified as a Variant of Uncertain Significance. The frequency data for this variant in the population databases is considered unreliable, as metrics indicate poor data quality at this position in the gnomAD database. This sequence change replaces arginine, which is basic and polar, with leucine, which is neutral and non-polar, at codon 164 of the NEFH protein (p.Arg164Leu).

NM_021076.4(NEFH):c.491_492delinsTT (p.Arg164Leu)

Gene: NEFH (neurofilament heavy chain; plus strand). Cytogenetic location: 22q12.2.
Variant type: Indel.
Coding change: c.491_492delinsTT on transcript NM_021076.4 (MANE Select); coding-DNA positions 491 to 492, GC replaced by TT.
Protein change: p.Arg164Leu; replaces arginine 164 with leucine.
Molecular consequence: missense variant.
Genome position (GRCh38, 1-based): chr22:29,480,753-29,480,754, GC replaced by TT. VCF-style: chr22-29480753-GC-TT. GRCh37 (hg19) VCF-style: chr22-29876742-GC-TT.
Other names: short protein forms R164L.
Identifiers: ClinVar variation 1903495 (VCV001903495.5), dbSNP rs2517968931, ClinGen allele CA2580099475.
Genomic context (GRCh38, chr22:29,480,753, plus strand): 5'-AGCTGTACGAGCGCGAGGTCCGCGAGATGCGCGGCGCGGTGCTGCGCCTGGGCGCGGCGC[GC>TT]GGTCAGCTACGCCTGGAGCAGGAGCACCTGCTCGAGGACATCGCGCACGTGCGCCAGCGC-3'
Protein context (NP_066554.2, residues 154-174): RGAVLRLGAA[Arg164Leu]GQLRLEQEHL